The following is an entry in ClinVar:

ClinVar aggregate classification (germline): Uncertain significance (1 of 4 stars; one submission).

gnomAD v4.1: 30 of 1,597,562 alleles (0.0019%); highest among the groups gnomAD compares: East Asian, 0.016%; no homozygotes.

Submission:

Labcorp Genetics (formerly Invitae), Labcorp
Classification: Uncertain significance. Last evaluated: 2025-02-02. Review status: criteria provided, single submitter. Criteria: Invitae Variant Classification Sherloc (09022015). Collection method: clinical testing. Allele origin: germline.
Comment: This sequence change replaces arginine, which is basic and polar, with histidine, which is basic and polar, at codon 177 of the PLTP protein (p.Arg177His). The frequency data for this variant in the population databases is considered unreliable, as metrics indicate poor data quality at this position in the gnomAD database. This missense change has been observed in individual(s) with dyslipidemias (PMID: 32041611). An algorithm developed to predict the effect of missense changes on protein structure and function outputs the following: PolyPhen-2: "Benign". The histidine amino acid residue is found in multiple mammalian species, which suggests that this missense change does not adversely affect protein function. In summary, the available evidence is currently insufficient to determine the role of this variant in disease. Therefore, it has been classified as a Variant of Uncertain Significance.

Literature cited by the submitters: PubMed 32041611.

NM_006227.4(PLTP):c.530G>A (p.Arg177His)

Gene: PLTP (phospholipid transfer protein; minus strand). Cytogenetic location: 20q13.12.
Variant type: single nucleotide variant.
Coding change: c.530G>A on transcript NM_006227.4 (MANE Select); coding-DNA position 530, G replaced by A.
Protein change: p.Arg177His; replaces arginine 177 with histidine.
Molecular consequence: missense variant.
Genome position (GRCh38, 1-based): chr20:45,907,860, C>T on the plus strand (G>A on the coding strand, the complement: PLTP is on the minus strand). VCF-style: chr20-45907860-C-T. GRCh37 (hg19) VCF-style: chr20-44536499-C-T.
Other names: c.245G>A, p.Arg82His (NM_001242920.2); c.266G>A, p.Arg89His (NM_001242921.1); c.374G>A, p.Arg125His (NM_182676.3); short protein forms R125H, R177H, R82H, R89H.
Identifiers: ClinVar variation 3606772 (VCV003606772.2).